The following is an entry in ClinVar:

NM_000352.6(ABCC8):c.1885C>T (p.Pro629Ser)

Gene: ABCC8 (ATP binding cassette subfamily C member 8; minus strand). Cytogenetic location: 11p15.1.
Variant type: single nucleotide variant.
Coding change: c.1885C>T on transcript NM_000352.6 (MANE Select); coding-DNA position 1885, C replaced by T.
Protein change: p.Pro629Ser; replaces proline 629 with serine.
Molecular consequence: missense variant. On other transcripts: non-coding transcript variant (1).
Genome position (GRCh38, 1-based): chr11:17,428,603, G>A on the plus strand (C>T on the coding strand, the complement: ABCC8 is on the minus strand). VCF-style: chr11-17428603-G-A. GRCh37 (hg19) VCF-style: chr11-17450150-G-A.
Other names: c.1885C>T, p.Pro629Ser (NM_001287174.3, NM_001351295.2); c.1882C>T, p.Pro628Ser (NM_001351296.2, NM_001351297.2); short protein forms P628S, P629S.
Identifiers: ClinVar variation 3367483 (VCV003367483.1).

ClinVar aggregate classification (germline): Uncertain significance (1 of 4 stars; one submission).

gnomAD v4.1: 2 of 1,613,976 alleles (0.00012%); highest among the groups gnomAD compares: African/African-American, 0.0013%; no homozygotes.

Submission:

GeneDx
Classification: Uncertain significance. Last evaluated: 2024-01-04. Review status: criteria provided, single submitter. Criteria: GeneDx Variant Classification Process June 2021. Collection method: clinical testing. Allele origin: germline. Affected: yes.
Comment: Not observed at significant frequency in large population cohorts (gnomAD); In silico analysis supports that this missense variant does not alter protein structure/function; Has not been previously published as pathogenic or benign to our knowledge